The following is an entry in ClinVar:

ClinVar aggregate classification (germline): Likely benign (1 of 4 stars; one submission).

Allele frequency attached by ClinVar (database versions not stated): ExAC 0.00006; gnomAD exomes 0.00009; TOPMed 0.00009; gnomAD 0.00011.
gnomAD v4.1: 153 of 1,613,682 alleles (0.0095%); highest among the groups gnomAD compares: Middle Eastern, 0.082%; no homozygotes.

Submission:

CeGaT Center for Human Genetics Tuebingen
Classification: Likely benign. Last evaluated: 2025-02-01. Review status: criteria provided, single submitter. Criteria: CeGaT Center For Human Genetics Tuebingen Variant Classification Criteria Version 2. Collection method: clinical testing. Allele origin: germline. Affected: yes. Observed: 2 variant alleles.
Comment: SLIT3: BP4, BP7

NM_003062.4(SLIT3):c.3096C>T (p.Asp1032=)

Gene: SLIT3 (slit guidance ligand 3; minus strand). Cytogenetic location: 5q34.
Variant type: single nucleotide variant.
Coding change: c.3096C>T on transcript NM_003062.4 (MANE Select); coding-DNA position 3096, C replaced by T.
Protein change: p.Asp1032=; no amino-acid change (aspartic acid 1032 retained).
Molecular consequence: synonymous variant.
Genome position (GRCh38, 1-based): chr5:168,692,687, G>A on the plus strand (C>T on the coding strand, the complement: SLIT3 is on the minus strand). VCF-style: chr5-168692687-G-A. GRCh37 (hg19) VCF-style: chr5-168119692-G-A.
Other names: c.3117C>T, p.Asp1039= (NM_001271946.2).
Identifiers: ClinVar variation 2656052 (VCV002656052.24), dbSNP rs201687321, ClinGen allele CA3551022.
Genomic context (GRCh38, chr5:168,692,687, plus strand): 5'-GATGCACTTGGCCTCATGCTGACAGAGGTTCAGCTCAGGCACACAGTGGTCAATCACCTC[G>A]TCGCATAGCTCACCTGGCACAGATGGGGGAGATAGCTCAGGCCTCAGGCAGGGTAGGGAT-3'
Protein context (NP_003053.2, residues 1022-1042): CPPNYTGELC[Asp1032=]EVIDHCVPEL